The following is an entry in ClinVar:

ClinVar aggregate classification (germline): Pathogenic. Review status: criteria provided, multiple submitters, no conflicts (2 of 4 stars). 2 submissions from 2 submitters: Pathogenic (2). Last evaluated 2023-05-12.

Conditions:
Glucocorticoid deficiency with achalasia (AAAS). Also called: Achalasia-Addisonianism-Alacrima (Triple-A) Syndrome; Triple-A syndrome; Alacrima-achalasia-addisonianism; ACTH-resistant adrenal insufficiency, achalasia and alacrima; Glucocorticoid deficiency and achalasia; Hypoadrenalism with achalasia. Identifiers: Orphanet 869, MedGen C0271742, MONDO:0009279, OMIM 231550.

Submissions (2):

Genomic Medicine Center of Excellence, King Faisal Specialist Hospital and Research Centre
Classification: Pathogenic for Glucocorticoid deficiency with achalasia. Last evaluated: 2023-05-12. Review status: criteria provided, single submitter. Criteria: ACMG Guidelines, 2015. Collection method: clinical testing. Allele origin: germline.

GeneDx
Classification: Pathogenic. Last evaluated: 2015-09-21. Review status: criteria provided, single submitter. Criteria: GeneDx Variant Classification (06012015). Collection method: clinical testing. Allele origin: germline. Affected: yes.
Comment: The W295X nonsense variant in the AAAS gene is predicted to cause loss of normal protein function either through protein truncation or nonsense-mediated mRNA decay. This variant has not been reported previously to our knowledge. However, a similar variant which leads to the same premature termination codon (W295X) has been reported in association with Triple-A/Allgrove syndrome (Schmittmann-Ohters et al., 2001). Therefore, we interpret W295X as a pathogenic variant.

NM_015665.6(AAAS):c.885G>A (p.Trp295Ter)

Gene: AAAS (aladin WD repeat nucleoporin; minus strand). Cytogenetic location: 12q13.13.
Variant type: single nucleotide variant.
Coding change: c.885G>A on transcript NM_015665.6 (MANE Select); coding-DNA position 885, G replaced by A.
Protein change: p.Trp295Ter; replaces tryptophan 295 with a stop codon.
Molecular consequence: nonsense.
Genome position (GRCh38, 1-based): chr12:53,309,207, C>T on the plus strand (G>A on the coding strand, the complement: AAAS is on the minus strand). VCF-style: chr12-53309207-C-T. GRCh37 (hg19) VCF-style: chr12-53702991-C-T.
Other names: c.786G>A, p.Trp262Ter (NM_001173466.2); short protein forms W295*, W262*.
Identifiers: ClinVar variation 429876 (VCV000429876.4), dbSNP rs766542823, ClinGen allele CA385041929.